The following is an entry in ClinVar:

ClinVar aggregate classification (germline): Uncertain significance (1 of 4 stars; one submission).

Conditions:
Hereditary pancreatitis (PCTT). Also called: Hereditary chronic pancreatitis; PRSS1-Related Hereditary Pancreatitis. Identifiers: Orphanet 676, MedGen C0238339, MONDO:0008185, OMIM 167800.

Allele frequency attached by ClinVar (database versions not stated): gnomAD exomes below 0.00001; TOPMed below 0.00001.
gnomAD v4.1: 5 of 1,612,580 alleles (0.00031%); highest among the groups gnomAD compares: Non-Finnish European, 0.00042%; no homozygotes.

Submission:

Sema4
Classification: Uncertain significance for Hereditary pancreatitis. Last evaluated: 2021-05-05. Review status: criteria provided, single submitter. Criteria: Sema4 Curation Guidelines. Collection method: curation. Allele origin: germline.
Comment: The CPA1 c.1073-10C>T variant has not been reported in the literature to our knowledge. It was observed in 1/112186 chromosomes of the European (non-Finnish) subpopulation in the large and broad cohorts of the Genome Aggregation Database (PMID: 32461654). The variant has not been reported in ClinVar. In silico tools suggest the variant does not impact splicing, though these predictions have not been confirmed by functional studies. The evidence is insufficient to meet ACMG/AMP criteria for classifying the variant as benign or pathogenic. Thus, the clinical significance of this variant is currently uncertain.

NM_001868.4(CPA1):c.1073-10C>T

Gene: CPA1 (carboxypeptidase A1; plus strand). Cytogenetic location: 7q32.2.
Variant type: single nucleotide variant.
Coding change: c.1073-10C>T on transcript NM_001868.4 (MANE Select); 10 bases into the intron before coding-DNA position 1073, C replaced by T.
Molecular consequence: intron variant.
Genome position (GRCh38, 1-based): chr7:130,387,814, C>T. VCF-style: chr7-130387814-C-T. GRCh37 (hg19) VCF-style: chr7-130027655-C-T.
Identifiers: ClinVar variation 1692649 (VCV001692649.1), dbSNP rs1554412208, ClinGen allele CA578152406.
Genomic context (GRCh38, chr7:130,387,814, plus strand): 5'-CGTTAACCCAACCCGTGTAAATATTCCCAAAGTGATTGACCCTTTCTCTCCTATTTTACT[C>T]CTGCCCCAGATCAAGCCAGTGGAAGCACTATTGACTGGACCTACAGCCAGGGCATCAAGT-3'